The following is an entry in ClinVar:

ClinVar aggregate classification (germline): Uncertain significance (1 of 4 stars; one submission).

Allele frequency attached by ClinVar (database versions not stated): TOPMed below 0.00001.
gnomAD v4.1: 1 of 1,614,020 alleles (0.000062%); highest among the groups gnomAD compares: Admixed American, 0.0017%; no homozygotes.

Submission:

Labcorp Genetics (formerly Invitae), Labcorp
Classification: Uncertain significance. Last evaluated: 2023-06-04. Review status: criteria provided, single submitter. Criteria: Invitae Variant Classification Sherloc (09022015). Collection method: clinical testing. Allele origin: germline.
Comment: This sequence change replaces histidine, which is basic and polar, with glutamine, which is neutral and polar, at codon 1449 of the ATR protein (p.His1449Gln). This variant is not present in population databases (gnomAD no frequency). In summary, the available evidence is currently insufficient to determine the role of this variant in disease. Therefore, it has been classified as a Variant of Uncertain Significance. An algorithm developed to predict the effect of missense changes on protein structure and function (PolyPhen-2) suggests that this variant is likely to be tolerated. This variant has not been reported in the literature in individuals affected with ATR-related conditions.

NM_001184.4(ATR):c.4347T>A (p.His1449Gln)

Gene: ATR (ATR checkpoint kinase; minus strand). Cytogenetic location: 3q23.
Variant type: single nucleotide variant.
Coding change: c.4347T>A on transcript NM_001184.4 (MANE Select); coding-DNA position 4347, T replaced by A.
Protein change: p.His1449Gln; replaces histidine 1449 with glutamine.
Molecular consequence: missense variant.
Genome position (GRCh38, 1-based): chr3:142,519,704, A>T on the plus strand (T>A on the coding strand, the complement: ATR is on the minus strand). VCF-style: chr3-142519704-A-T. GRCh37 (hg19) VCF-style: chr3-142238546-A-T.
Other names: c.4155T>A, p.His1385Gln (NM_001354579.2); short protein forms H1385Q, H1449Q.
Identifiers: ClinVar variation 2741066 (VCV002741066.3), dbSNP rs777646913, ClinGen allele CA354800179.